The following is an entry in ClinVar:

ClinVar aggregate classification (germline): Uncertain significance (1 of 4 stars; one submission).

Submission:

GeneDx
Classification: Uncertain significance. Last evaluated: 2025-06-12. Review status: criteria provided, single submitter. Criteria: GeneDx Variant Classification Process June 2021. Collection method: clinical testing. Allele origin: germline. Affected: yes.
Comment: Not observed at significant frequency in large population cohorts (gnomAD); In silico analysis supports that this missense variant has a deleterious effect on protein structure/function; Has not been previously published as pathogenic or benign to our knowledge

NM_001358530.2(MOCS1):c.561T>G (p.Phe187Leu)

Gene: MOCS1 (molybdenum cofactor synthesis 1; minus strand). Cytogenetic location: 6p21.2.
Variant type: single nucleotide variant.
Coding change: c.561T>G on transcript NM_001358530.2 (MANE Select); coding-DNA position 561, T replaced by G.
Protein change: p.Phe187Leu; replaces phenylalanine 187 with leucine.
Molecular consequence: missense variant. On other transcripts: non-coding transcript variant (1).
Genome position (GRCh38, 1-based): chr6:39,916,090, A>C on the plus strand (T>G on the coding strand, the complement: MOCS1 is on the minus strand). VCF-style: chr6-39916090-A-C. GRCh37 (hg19) VCF-style: chr6-39883834-A-C.
Other names: c.561T>G, p.Phe187Leu (NM_001075098.4, NM_001358529.2, NM_005943.6); c.300T>G, p.Phe100Leu (NM_001358531.2, NM_001358533.2, NM_001358534.2); short protein forms F100L, F187L.
Identifiers: ClinVar variation 4537783 (VCV004537783.1).
Genomic context (GRCh38, chr6:39,916,090, plus strand): 5'-CCCTGGGAGGGACACCCACCCCATCCACATCCGCTCACCTTTCCTGCGGACAATGAACTC[A>C]AACTTGGCAGGCACCAGGGTGTCCAGGCTGATGTTGATGGCACTGAGACCAGCCTTCTGA-3'
Protein context (NP_001345459.1, residues 177-197): ISLDTLVPAK[Phe187Leu]EFIVRRKGFH